The following is an entry in ClinVar:

NM_006904.7(PRKDC):c.2276G>A (p.Gly759Asp)

Gene: PRKDC (protein kinase, DNA-activated, catalytic subunit; minus strand). Cytogenetic location: 8q11.21.
Variant type: single nucleotide variant.
Coding change: c.2276G>A on transcript NM_006904.7 (MANE Select); coding-DNA position 2276, G replaced by A.
Protein change: p.Gly759Asp; replaces glycine 759 with aspartic acid.
Molecular consequence: missense variant.
Genome position (GRCh38, 1-based): chr8:47,927,337, C>T on the plus strand (G>A on the coding strand, the complement: PRKDC is on the minus strand). VCF-style: chr8-47927337-C-T. GRCh37 (hg19) VCF-style: chr8-48839897-C-T.
Other names: c.2276G>A, p.Gly759Asp (NM_001081640.2); short protein forms G759D.
Identifiers: ClinVar variation 1788863 (VCV001788863.2), dbSNP rs2551878162, ClinGen allele CA371162143.

ClinVar aggregate classification (germline): Uncertain significance (1 of 4 stars; one submission).

Submission:

Ambry Genetics
Classification: Uncertain significance. Last evaluated: 2022-09-10. Review status: criteria provided, single submitter. Criteria: Ambry Variant Classification Scheme 2023. Collection method: clinical testing. Allele origin: germline.
Comment: The p.G759D variant (also known as c.2276G>A), located in coding exon 21 of the PRKDC gene, results from a G to A substitution at nucleotide position 2276. The glycine at codon 759 is replaced by aspartic acid, an amino acid with similar properties. This amino acid position is conserved. In addition, this alteration is predicted to be deleterious by in silico analysis. Since supporting evidence is limited at this time, the clinical significance of this alteration remains unclear.